The following is an entry in ClinVar:

ClinVar aggregate classification (germline): Uncertain significance (0 of 4 stars; one submission).

Allele frequency attached by ClinVar (database versions not stated): TOPMed below 0.00001; gnomAD 0.00001.
gnomAD v4.1: 18 of 1,613,464 alleles (0.0011%); highest among the groups gnomAD compares: South Asian, 0.0022%; no homozygotes.

Submission:

Department of Pathology and Laboratory Medicine, Sinai Health System
Classification: Uncertain significance. Review status: no assertion criteria provided. Collection method: clinical testing. Allele origin: unknown. Affected: yes. Study: The Canadian Open Genetics Repository (COGR).
Comment: The FLG p.Leu2415Ile variant was not identified in the literature nor was it identified in ClinVar. The variant was identified in dbSNP (ID: rs766035407) and in control databases in 1 of 251436 chromosomes at a frequency of 0.000003977 (Genome Aggregation Database March 6, 2019, v2.1.1). The variant was observed in the European (non-Finnish) population in 1 of 113716 chromosomes (freq: 0.000009), but was not observed in the African, Latino, Ashkenazi Jewish, East Asian, European (Finnish), Other, or South Asian populations. The p.Leu2415 residue is conserved across mammals and other organisms however four out of five computational analyses (PolyPhen-2, SIFT, AlignGVGD, BLOSUM, MutationTaster) do not suggest a high likelihood of impact to the protein; this information is not predictive enough to rule out pathogenicity. The variant occurs outside of the splicing consensus sequence and three of four in silico or computational prediction software programs (SpliceSiteFinder, MaxEntScan, NNSPLICE, GeneSplicer) do not predict a greater than 10% difference in splicing; this is not very predictive of pathogenicity. In summary, based on the above information the clinical significance of this variant cannot be determined with certainty at this time. This variant is classified as a variant of uncertain significance.

NM_002016.2(FLG):c.7243C>A (p.Leu2415Ile)

Genes: FLG (filaggrin; minus strand), FLG-AS1 (FLG antisense RNA 1; plus strand). Cytogenetic location: 1q21.3.
Variant type: single nucleotide variant.
Coding change: c.7243C>A on transcript NM_002016.2 (MANE Select); coding-DNA position 7243, C replaced by A.
Protein change: p.Leu2415Ile; replaces leucine 2415 with isoleucine.
Molecular consequence: missense variant.
Genome position (GRCh38, 1-based): chr1:152,307,643, G>T on the plus strand (C>A on the coding strand, the complement: FLG is on the minus strand). VCF-style: chr1-152307643-G-T. GRCh37 (hg19) VCF-style: chr1-152280119-G-T.
Other names: short protein forms L2415I.
Identifiers: ClinVar variation 1050112 (VCV001050112.1), dbSNP rs766035407, ClinGen allele CA342047832.